The following is an entry in ClinVar:

NM_018303.6(EXOC2):c.942G>A (p.Gly314=)

Gene: EXOC2 (exocyst complex component 2; minus strand). Cytogenetic location: 6p25.3.
Variant type: single nucleotide variant.
Coding change: c.942G>A on transcript NM_018303.6 (MANE Select); coding-DNA position 942, G replaced by A.
Protein change: p.Gly314=; no amino-acid change (glycine 314 retained).
Molecular consequence: synonymous variant. On other transcripts: non-coding transcript variant (1).
Genome position (GRCh38, 1-based): chr6:598,888, C>T on the plus strand (G>A on the coding strand, the complement: EXOC2 is on the minus strand). VCF-style: chr6-598888-C-T. GRCh37 (hg19) VCF-style: chr6-598888-C-T.
Identifiers: ClinVar variation 2656168 (VCV002656168.24), dbSNP rs202240202, ClinGen allele CA3613715.
Genomic context (GRCh38, chr6:598,888, plus strand): 5'-GAGAAGATCTAAAAGTAATACATGAATCTTACATTTCTTGAAAACTTGCACCTCCGTTTT[C>T]CCAAAAAGTGACTTGGCCTTTTCATAATCATTAATAACCACATCATAATCACCCTTTAAA-3'
Protein context (NP_060773.3, residues 304-324): NDYEKAKSLF[Gly314=]KTEVQVFKKY

ClinVar aggregate classification (germline): Likely benign (1 of 4 stars; one submission).

Allele frequency attached by ClinVar (database versions not stated): ESP Exome Variant Server 0.00008; TOPMed 0.00021; gnomAD 0.00022; ExAC 0.00028; gnomAD exomes 0.00052.
gnomAD v4.1: 769 of 1,611,442 alleles (0.048%); highest among the groups gnomAD compares: Non-Finnish European, 0.063%; 1 homozygote.

Submission:

CeGaT Center for Human Genetics Tuebingen
Classification: Likely benign. Last evaluated: 2023-03-01. Review status: criteria provided, single submitter. Criteria: CeGaT Center For Human Genetics Tuebingen Variant Classification Criteria Version 2. Collection method: clinical testing. Allele origin: germline. Affected: yes. Observed: 1 variant allele.
Comment: EXOC2: BP4, BP7